The following is an entry in ClinVar:

NM_005996.4(TBX3):c.*1224T>C

Gene: TBX3 (T-box transcription factor 3; minus strand). Cytogenetic location: 12q24.21.
Variant type: single nucleotide variant.
Coding change: c.*1224T>C on transcript NM_005996.4 (MANE Select); 1224 bases downstream of the stop codon, T replaced by C.
Molecular consequence: 3 prime UTR variant.
Genome position (GRCh38, 1-based): chr12:114,670,617, A>G on the plus strand (T>C on the coding strand, the complement: TBX3 is on the minus strand). VCF-style: chr12-114670617-A-G. GRCh37 (hg19) VCF-style: chr12-115108422-A-G.
Other names: c.*1224T>C (NM_016569.4).
Identifiers: ClinVar variation 307331 (VCV000307331.5), dbSNP rs141045947, ClinGen allele CA10641065.
Genomic context (GRCh38, chr12:114,670,617, plus strand): 5'-CCCTCCCCACAGCAATCTCAGTTATATTTTAAGGAATTTGAAGTGGAGCTGGAAAGTGGC[A>G]CTCCTTCCCCAATTTTGGTGAAAATAGGAAATAGCACTTTCCCCCACTTTTGGACATTAA-3'

ClinVar aggregate classification (germline): Benign (1 of 4 stars; one submission).

Conditions:
Ulnar-mammary syndrome (UMS). Also called: SCHINZEL SYNDROME; Ulnar-mammary syndrome of Pallister; PALLISTER ULNAR-MAMMARY SYNDROME. Identifiers: Orphanet 3138, MedGen C1866994, MONDO:0008411, OMIM 181450.

Allele frequency attached by ClinVar (database versions not stated): gnomAD 0.00271 and 0.00280; 1000 Genomes Project 0.00280; TOPMed 0.00282; 1000 Genomes Project 30x 0.00297; gnomAD exomes 0.00392.
gnomAD v4.1: 682 of 217,674 alleles (0.31%); highest among the groups gnomAD compares: Middle Eastern, 0.72%; 4 homozygotes.

Submission:

Illumina Laboratory Services, Illumina
Classification: Benign for Ulnar-mammary syndrome. Last evaluated: 2018-01-13. Review status: criteria provided, single submitter. Criteria: ICSL Variant Classification Criteria 13 December 2019. Collection method: clinical testing. Allele origin: germline.
Comment: This variant was observed in the ICSL laboratory as part of a predisposition screen in an ostensibly healthy population. It had not been previously curated by ICSL or reported in the Human Gene Mutation Database (HGMD: prior to June 1st, 2018), and was therefore a candidate for classification through an automated scoring system. Utilizing variant allele frequency, disease prevalence and penetrance estimates, and inheritance mode, an automated score was calculated to assess if this variant is too frequent to cause the disease. Based on the score and internal cut-off values, a variant classified as benign is not then subjected to further curation. The score for this variant resulted in a classification of benign for this disease.